The following is an entry in ClinVar:

NM_000180.4(GUCY2D):c.2933G>C (p.Gly978Ala)

Gene: GUCY2D (guanylate cyclase 2D, retinal; plus strand). Cytogenetic location: 17p13.1.
Variant type: single nucleotide variant.
Coding change: c.2933G>C on transcript NM_000180.4 (MANE Select); coding-DNA position 2933, G replaced by C.
Protein change: p.Gly978Ala; replaces glycine 978 with alanine.
Molecular consequence: missense variant.
Genome position (GRCh38, 1-based): chr17:8,015,491, G>C. VCF-style: chr17-8015491-G-C. GRCh37 (hg19) VCF-style: chr17-7918809-G-C.
Other names: short protein forms G978A.
Identifiers: ClinVar variation 2952913 (VCV002952913.3), dbSNP rs754320374, ClinGen allele CA397954979.

ClinVar aggregate classification (germline): Uncertain significance (1 of 4 stars; one submission).

Conditions:
Cone-rod dystrophy 6 (CORD6). Also called: RETINAL CONE DYSTROPHY 2; Cone dystrophy progressive. Identifiers: Orphanet 1872, MedGen C1866293, MONDO:0011143, OMIM 601777.
Leber congenital amaurosis 1 (LCA1). Also called: RETINAL BLINDNESS, CONGENITAL; Congenital absence of the rods and cones; Leber's congenital tapetoretinal degeneration; Leber's congenital tapetoretinal dysplasia; AMAUROSIS CONGENITA OF LEBER I. Identifiers: Orphanet 65, MedGen C2931258, MONDO:0008764, OMIM 204000.

Submission:

Labcorp Genetics (formerly Invitae), Labcorp
Classification: Uncertain significance for Leber congenital amaurosis 1; Cone-rod dystrophy 6. Last evaluated: 2023-10-15. Review status: criteria provided, single submitter. Criteria: Invitae Variant Classification Sherloc (09022015). Collection method: clinical testing. Allele origin: germline.
Comment: This sequence change replaces glycine, which is neutral and non-polar, with alanine, which is neutral and non-polar, at codon 978 of the GUCY2D protein (p.Gly978Ala). This variant is not present in population databases (gnomAD no frequency). This variant has not been reported in the literature in individuals affected with GUCY2D-related conditions. Advanced modeling of protein sequence and biophysical properties (such as structural, functional, and spatial information, amino acid conservation, physicochemical variation, residue mobility, and thermodynamic stability) has been performed at Invitae for this missense variant, however the output from this modeling did not meet the statistical confidence thresholds required to predict the impact of this variant on GUCY2D protein function. In summary, the available evidence is currently insufficient to determine the role of this variant in disease. Therefore, it has been classified as a Variant of Uncertain Significance.